The following is an entry in ClinVar:

NM_182914.3(SYNE2):c.6851C>G (p.Ala2284Gly)

Gene: SYNE2 (spectrin repeat containing nuclear envelope protein 2; plus strand). Cytogenetic location: 14q23.2.
Variant type: single nucleotide variant.
Coding change: c.6851C>G on transcript NM_182914.3 (MANE Select); coding-DNA position 6851, C replaced by G.
Protein change: p.Ala2284Gly; replaces alanine 2284 with glycine.
Molecular consequence: missense variant.
Genome position (GRCh38, 1-based): chr14:64,030,031, C>G. VCF-style: chr14-64030031-C-G. GRCh37 (hg19) VCF-style: chr14-64496749-C-G.
Other names: c.6851C>G, p.Ala2284Gly (NM_015180.6); short protein forms A2284G.
Identifiers: ClinVar variation 5040018 (VCV005040018.1).

ClinVar aggregate classification (germline): Uncertain significance (1 of 4 stars; one submission).

Submission:

CeGaT Center for Human Genetics Tuebingen
Classification: Uncertain significance. Last evaluated: 2026-07-01. Review status: criteria provided, single submitter. Criteria: CeGaT Center For Human Genetics Tuebingen Variant Classification Criteria Version 2. Collection method: clinical testing. Allele origin: germline. Affected: yes. Observed: 1 variant allele.
Comment: SYNE2: PM2, BP4